The following is an entry in ClinVar:

NM_004380.3(CREBBP):c.4767C>G (p.Asn1589Lys)

Gene: CREBBP (CREB binding lysine acetyltransferase; minus strand). Cytogenetic location: 16p13.3.
Variant type: single nucleotide variant.
Coding change: c.4767C>G on transcript NM_004380.3 (MANE Select); coding-DNA position 4767, C replaced by G.
Protein change: p.Asn1589Lys; replaces asparagine 1589 with lysine.
Molecular consequence: missense variant.
Genome position (GRCh38, 1-based): chr16:3,731,899, G>C on the plus strand (C>G on the coding strand, the complement: CREBBP is on the minus strand). VCF-style: chr16-3731899-G-C. GRCh37 (hg19) VCF-style: chr16-3781900-G-C.
Other names: c.4653C>G, p.Asn1551Lys (NM_001079846.1); c.4767C>G (NM_004380.2); short protein forms N1589K, N1551K.
Identifiers: ClinVar variation 1967816 (VCV001967816.7), dbSNP rs1454603838, ClinGen allele CA394560168.

ClinVar aggregate classification (germline): Conflicting classifications of pathogenicity. Review status: criteria provided, conflicting classifications (1 of 4 stars). 2 submissions from 2 submitters: Pathogenic (1); Uncertain significance (1). Last evaluated 2025-09-12.

Conditions:
Rubinstein-Taybi syndrome (RSTS). Identifiers: Orphanet 783, MedGen C0035934, MONDO:0019188.

gnomAD v4.1: 1 of 1,614,226 alleles (0.000062%); no homozygotes.

Submissions (2):

GeneDx
Classification: Pathogenic. Last evaluated: 2025-09-12. Review status: criteria provided, single submitter. Criteria: GeneDx Variant Classification Process June 2021. Collection method: clinical testing. Allele origin: germline. Affected: yes.
Comment: De novo variant with confirmed parentage in a patient from a large cohort of individuals with developmental disorders in the published literature; this individual also harbored another de novo variant in a different gene, and additional clinical information was not included (PMID: 33057194, 35982159); Not observed at significant frequency in large population cohorts (gnomAD); In silico analysis supports that this missense variant has a deleterious effect on protein structure/function; This variant is associated with the following publications: (PMID: 12070251, 33057194, 35982159)

Labcorp Genetics (formerly Invitae), Labcorp
Classification: Uncertain significance for Rubinstein-Taybi syndrome. Last evaluated: 2022-08-02. Review status: criteria provided, single submitter. Criteria: Invitae Variant Classification Sherloc (09022015). Collection method: clinical testing. Allele origin: germline.
Comment: Advanced modeling of protein sequence and biophysical properties (such as structural, functional, and spatial information, amino acid conservation, physicochemical variation, residue mobility, and thermodynamic stability) performed at Invitae indicates that this missense variant is not expected to disrupt CREBBP protein function. In summary, the available evidence is currently insufficient to determine the role of this variant in disease. Therefore, it has been classified as a Variant of Uncertain Significance. This variant has not been reported in the literature in individuals affected with CREBBP-related conditions. This variant is not present in population databases (gnomAD no frequency). This sequence change replaces asparagine, which is neutral and polar, with lysine, which is basic and polar, at codon 1589 of the CREBBP protein (p.Asn1589Lys).